The following is an entry in ClinVar:

ClinVar aggregate classification (germline): Pathogenic. Review status: criteria provided, multiple submitters, no conflicts (2 of 4 stars). 2 submissions from 2 submitters: Pathogenic (2). Last evaluated 2025-07-28.

Conditions:
Ataxia-telangiectasia syndrome (AT). Also called: Ataxia-telangiectasia, complementation group E; Cerebello-oculocutaneous telangiectasia; Immunodeficiency with ataxia telangiectasia; Ataxia-telangiectasia, complementation group D; AT, COMPLEMENTATION GROUP C; Ataxia-telangiectasia. Identifiers: Orphanet 100, MedGen C0004135, MONDO:0008840, OMIM 208900.
Hereditary cancer-predisposing syndrome. Also called: Neoplastic Syndromes, Hereditary; Hereditary Cancer Syndrome; Hereditary neoplastic syndrome; Tumor predisposition. Identifiers: Orphanet 140162, MedGen C0027672, MeSH D009386, MONDO:0015356.

Submissions (2):

Ambry Genetics
Classification: Pathogenic for Hereditary cancer-predisposing syndrome. Last evaluated: 2025-07-28. Review status: criteria provided, single submitter. Criteria: Ambry Variant Classification Scheme 2023. Collection method: clinical testing. Allele origin: germline.
Comment: The c.1530delC pathogenic mutation, located in coding exon 9 of the ATM gene, results from a deletion of one nucleotide at nucleotide position 1530, causing a translational frameshift with a predicted alternate stop codon (p.I511*). This variant is considered to be rare based on population cohorts in the Genome Aggregation Database (gnomAD). This alteration is expected to result in loss of function by premature protein truncation or nonsense-mediated mRNA decay. As such, this alteration is interpreted as a disease-causing mutation.

Labcorp Genetics (formerly Invitae), Labcorp
Classification: Pathogenic for Ataxia-telangiectasia syndrome. Last evaluated: 2019-12-27. Review status: criteria provided, single submitter. Criteria: Invitae Variant Classification Sherloc (09022015). Collection method: clinical testing. Allele origin: germline.
Comment: For these reasons, this variant has been classified as Pathogenic. Loss-of-function variants in ATM are known to be pathogenic (PMID: 23807571, 25614872). This variant has not been reported in the literature in individuals with ATM-related conditions. This variant is not present in population databases (ExAC no frequency). This sequence change creates a premature translational stop signal (p.Ile511*) in the ATM gene. It is expected to result in an absent or disrupted protein product.

Literature cited by the submitters: PubMed 23807571 (cited by Labcorp Genetics (formerly Invitae), Labcorp); PubMed 25614872 (cited by Labcorp Genetics (formerly Invitae), Labcorp).

NM_000051.4(ATM):c.1530del (p.Ala510_Ile511insTer)

Gene: ATM (ATM serine/threonine kinase; plus strand). Cytogenetic location: 11q22.3.
Variant type: Deletion.
Coding change: c.1530del on transcript NM_000051.4 (MANE Select); coding-DNA position 1530, one base deleted (C; older notation c.1530delC).
Protein change: p.Ala510_Ile511insTer.
Molecular consequence: frameshift variant.
Genome position (GRCh38, 1-based): chr11:108,250,995, C deleted; the last of 2 consecutive C bases (chr11:108,250,994-108,250,995); deleting either gives the same sequence. VCF-style (leftmost placement, unchanged base first): chr11-108250993-GC-G. GRCh37 (hg19) VCF-style: chr11-108121720-GC-G.
Other names: c.1530del, p.Ala510_Ile511insTer (NM_001351834.2); c.1530delC (NM_000051.3).
Identifiers: ClinVar variation 851919 (VCV000851919.9), dbSNP rs2080115284, ClinGen allele CA916080441.
Genomic context (GRCh38, chr11:108,250,993, plus strand): 5'-ATTACCTTTCGTGGTATAAGTTCTGAGCAAATACAAGCTGAAAACTTTGGCTTACTTGGA[GC>G]CATAATTCAGGGTAGTTTAGTTGAGGTTGACAGAGAATTCTGGAAGTTATTTACTGGGTC-3'